The following is an entry in ClinVar:

NM_134261.3(RORA):c.823C>T (p.His275Tyr)

Genes: RORA (RAR related orphan receptor A; minus strand), RORA-AS1 (RORA antisense RNA 1; plus strand). Cytogenetic location: 15q22.2.
Variant type: single nucleotide variant.
Coding change: c.823C>T on transcript NM_134261.3 (MANE Select); coding-DNA position 823, C replaced by T.
Protein change: p.His275Tyr; replaces histidine 275 with tyrosine.
Molecular consequence: missense variant.
Genome position (GRCh38, 1-based): chr15:60,505,627, G>A on the plus strand (C>T on the coding strand, the complement: RORA is on the minus strand). VCF-style: chr15-60505627-G-A. GRCh37 (hg19) VCF-style: chr15-60797826-G-A.
Other names: c.898C>T, p.His300Tyr (NM_002943.4); c.922C>T, p.His308Tyr (NM_134260.3); c.658C>T, p.His220Tyr (NM_134262.3); short protein forms H220Y, H275Y, H300Y, H308Y.
Identifiers: ClinVar variation 3346327 (VCV003346327.1).
Genomic context (GRCh38, chr15:60,505,627, plus strand): 5'-GCTCTTCTCTCAAGTATTGGCAGGTTTCCAGATGCGATTTAGATATATTCTGTGCAAGGT[G>A]TTCTAAGGAGAAAACGGGAGATCACAAACACGAAAAGCGAAGTTCTTTGAATAATTGGTG-3'
Protein context (NP_599023.1, residues 265-285): SPTVSMAELE[His275Tyr]LAQNISKSHL

ClinVar aggregate classification (germline): Uncertain significance (0 of 4 stars; one submission).

Conditions:
RORA-related disorder. Also called: RORA-related condition.

Submission:

PreventionGenetics, part of Exact Sciences
Classification: Uncertain significance for RORA-related condition. Last evaluated: 2024-04-30. Review status: no assertion criteria provided. Collection method: clinical testing. Allele origin: germline.
Comment: The RORA c.922C>T variant is predicted to result in the amino acid substitution p.His308Tyr. To our knowledge, this variant has not been reported in the literature or in a large population database, indicating this variant is rare. At this time, the clinical significance of this variant is uncertain due to the absence of conclusive functional and genetic evidence.